The following is an entry in ClinVar:

NM_000548.5(TSC2):c.3678G>T (p.Met1226Ile)

Gene: TSC2 (TSC complex subunit 2; plus strand). Cytogenetic location: 16p13.3.
Variant type: single nucleotide variant.
Coding change: c.3678G>T on transcript NM_000548.5 (MANE Select); coding-DNA position 3678, G replaced by T.
Protein change: p.Met1226Ile; replaces methionine 1226 with isoleucine.
Molecular consequence: missense variant. On other transcripts: non-coding transcript variant (5).
Genome position (GRCh38, 1-based): chr16:2,081,662, G>T. VCF-style: chr16-2081662-G-T. GRCh37 (hg19) VCF-style: chr16-2131663-G-T.
Other names: c.3546G>T, p.Met1182Ile (NM_001077183.3, NM_001370404.1, NM_001406665.1); c.3678G>T, p.Met1226Ile (NM_001114382.3); c.3438G>T, p.Met1146Ile (NM_001318827.2); c.3402G>T, p.Met1134Ile (NM_001318829.2); c.2946G>T, p.Met982Ile (NM_001318831.2, NM_001406687.1, NM_001406688.1); c.3579G>T, p.Met1193Ile (NM_001318832.2); c.3549G>T, p.Met1183Ile (NM_001363528.2, NM_001370405.1, NM_021055.3); c.3675G>T, p.Met1225Ile (NM_001406663.1, NM_001406664.1); and 18 more; short protein forms M1025I, M1026I, M1029I, M1133I, M1134I, M1145I, M1146I, M1163I.
Identifiers: ClinVar variation 3031576 (VCV003031576.2), dbSNP rs2151481846, ClinGen allele CA394292292.

ClinVar aggregate classification (germline): Uncertain significance (0 of 4 stars; one submission).

Conditions:
TSC2-related disorder. Also called: TSC2-Related Disorders; TSC2-related condition.

Submission:

PreventionGenetics, part of Exact Sciences
Classification: Uncertain significance for TSC2-related condition. Last evaluated: 2023-11-17. Review status: no assertion criteria provided. Collection method: clinical testing. Allele origin: germline.
Comment: The TSC2 c.3678G>T variant is predicted to result in the amino acid substitution p.Met1226Ile. To our knowledge, this variant has not been reported in the literature or in a large population database (gnomAD v2), indicating this variant is rare. At this time, the clinical significance of this variant is uncertain due to the absence of conclusive functional and genetic evidence.